The following is an entry in ClinVar:

NM_022482.5(GZF1):c.764_766del (p.Val255del)

Gene: GZF1 (GDNF inducible zinc finger protein 1; plus strand). Cytogenetic location: 20p11.21.
Variant type: Deletion.
Coding change: c.764_766del on transcript NM_022482.5 (MANE Select); coding-DNA positions 764 to 766, 3 bases deleted (TGG; older notation c.764_766delTGG).
Protein change: p.Val255del; deletes valine 255.
Molecular consequence: inframe deletion.
Genome position (GRCh38, 1-based): chr20:23,365,147-23,365,149, TGG deleted; deleting any 3 consecutive bases within chr20:23,365,146-23,365,149 gives the same sequence; the c. name uses the placement nearest the transcript's 3' end. VCF-style (leftmost placement, unchanged base first): chr20-23365145-TGTG-T. GRCh37 (hg19) VCF-style: chr20-23345782-TGTG-T.
Other names: c.764_766del, p.Val255del (NM_001317012.2, NM_001317019.1); short protein forms V255del.
Identifiers: ClinVar variation 3608440 (VCV003608440.2).
Genomic context (GRCh38, chr20:23,365,145, plus strand): 5'-GATCCCTAAAAAGAAATATACGAGAAGACTCCGAGAGCAGCAGAAAACTGCTGAGGGTGA[TGTG>T]GGGGACTACAGGTGTCCCCAGGACCAAAGCCCGGACAGGGTGGGCACGGAGATGGAGCAG-3'

ClinVar aggregate classification (germline): Uncertain significance (1 of 4 stars; one submission).

Submission:

Labcorp Genetics (formerly Invitae), Labcorp
Classification: Uncertain significance. Last evaluated: 2024-07-16. Review status: criteria provided, single submitter. Criteria: Invitae Variant Classification Sherloc (09022015). Collection method: clinical testing. Allele origin: germline.
Comment: This variant, c.764_766del, results in the deletion of 1 amino acid(s) of the GZF1 protein (p.Val255del), but otherwise preserves the integrity of the reading frame. This variant is not present in population databases (gnomAD no frequency). This variant has not been reported in the literature in individuals affected with GZF1-related conditions. Experimental studies and prediction algorithms are not available or were not evaluated, and the functional significance of this variant is currently unknown. In summary, the available evidence is currently insufficient to determine the role of this variant in disease. Therefore, it has been classified as a Variant of Uncertain Significance.